The following is an entry in ClinVar:

NM_006231.4(POLE):c.62+3G>A

Genes: POLE (DNA polymerase epsilon, catalytic subunit; minus strand), LOC130009266 (ATAC-STARR-seq lymphoblastoid silent region 5123; plus strand). Cytogenetic location: 12q24.33.
Variant type: single nucleotide variant.
Coding change: c.62+3G>A on transcript NM_006231.4 (MANE Select); 3 bases into the intron after coding-DNA position 62, G replaced by A.
Molecular consequence: intron variant.
Genome position (GRCh38, 1-based): chr12:132,687,251, C>T on the plus strand (G>A on the coding strand, the complement: POLE is on the minus strand). VCF-style: chr12-132687251-C-T. GRCh37 (hg19) VCF-style: chr12-133263837-C-T.
Identifiers: ClinVar variation 640015 (VCV000640015.7), dbSNP rs1162592571, ClinGen allele CA915946784.
Genomic context (GRCh38, chr12:132,687,251, plus strand): 5'-GAGGACGGCCCCATGGCACCCTCCGGAGGGCCGGCCCGAGAGCCTCAGGAGGGCGCCCCT[C>T]ACCTGCTGGCCTCGCCATCCGCGCCTGGGTCCGCGCGCCGCCGCCCGCCGCTCCTCAGAG-3'

ClinVar aggregate classification (germline): Uncertain significance (1 of 4 stars; one submission).

Allele frequency attached by ClinVar (database versions not stated): gnomAD exomes below 0.00001.
gnomAD v4.1: 1 of 1,495,224 alleles (0.000067%); highest among the groups gnomAD compares: Non-Finnish European, 0.000089%; no homozygotes.

Submission:

Labcorp Genetics (formerly Invitae), Labcorp
Classification: Uncertain significance. Last evaluated: 2022-08-31. Review status: criteria provided, single submitter. Criteria: Invitae Variant Classification Sherloc (09022015). Collection method: clinical testing. Allele origin: germline.
Comment: In summary, the available evidence is currently insufficient to determine the role of this variant in disease. Therefore, it has been classified as a Variant of Uncertain Significance. Variants that disrupt the consensus splice site are a relatively common cause of aberrant splicing (PMID: 17576681, 9536098). Algorithms developed to predict the effect of sequence changes on RNA splicing suggest that this variant is not likely to affect RNA splicing. ClinVar contains an entry for this variant (Variation ID: 640015). This variant has not been reported in the literature in individuals affected with POLE-related conditions. This variant is not present in population databases (gnomAD no frequency). This sequence change falls in intron 1 of the POLE gene. It does not directly change the encoded amino acid sequence of the POLE protein. It affects a nucleotide within the consensus splice site.

Literature cited by the submitters: PubMed 17576681; PubMed 9536098.